The following is an entry in ClinVar:

ClinVar aggregate classification (germline): Likely benign. Review status: criteria provided, multiple submitters, no conflicts (2 of 4 stars). 3 submissions from 3 submitters: Likely benign (3). Last evaluated 2024-02-29.

Conditions:
Familial adenomatous polyposis 1 (FAP1). Also called: FAMILIAL ADENOMATOUS POLYPOSIS 1, ATTENUATED; POLYPOSIS, ADENOMATOUS INTESTINAL. Identifiers: MedGen C2713442, MONDO:0021056, OMIM 175100. Disease mechanism: loss of function.
Hereditary cancer-predisposing syndrome. Also called: Neoplastic Syndromes, Hereditary; Tumor predisposition; Hereditary Cancer Syndrome; Hereditary neoplastic syndrome. Identifiers: Orphanet 140162, MedGen C0027672, MeSH D009386, MONDO:0015356.

Submissions (3):

Myriad Genetics, Inc.
Classification: Likely benign for Familial adenomatous polyposis 1. Last evaluated: 2024-02-29. Review status: criteria provided, single submitter. Criteria: Myriad Autosomal Dominant, Autosomal Recessive and X-Linked Classification Criteria (2023). Collection method: clinical testing. Allele origin: unknown.
Comment: This variant is considered likely benign. This variant is intronic and is not expected to impact mRNA splicing.

Labcorp Genetics (formerly Invitae), Labcorp
Classification: Likely benign for Familial adenomatous polyposis 1. Last evaluated: 2023-10-19. Review status: criteria provided, single submitter. Criteria: Invitae Variant Classification Sherloc (09022015). Collection method: clinical testing. Allele origin: germline.

Color Diagnostics, LLC DBA Color Health
Classification: Likely benign for Hereditary cancer-predisposing syndrome. Last evaluated: 2023-07-18. Review status: criteria provided, single submitter. Criteria: ACMG Guidelines, 2015. Collection method: clinical testing. Allele origin: germline.

NM_000038.6(APC):c.934-5C>T

Gene: APC (APC regulator of Wnt signaling pathway; plus strand). Cytogenetic location: 5q22.2.
Variant type: single nucleotide variant.
Coding change: c.934-5C>T on transcript NM_000038.6 (MANE Select); 5 bases into the intron before coding-DNA position 934, C replaced by T.
Molecular consequence: intron variant.
Genome position (GRCh38, 1-based): chr5:112,818,961, C>T. VCF-style: chr5-112818961-C-T. GRCh37 (hg19) VCF-style: chr5-112154658-C-T.
Other names: c.85-5C>T (NM_001407470.1, NM_001354906.2); c.85-308C>T (NM_001407472.1, NM_001407471.1); c.934-5C>T (NM_001407447.1, NM_001354895.2, NM_001407448.1 and 4 more transcripts); c.934-308C>T (NM_001407456.1, NM_001407460.1, NM_001407457.1 and 5 more transcripts); c.850-5C>T (NM_001407452.1, NM_001354899.2); c.850-308C>T (NM_001407469.1, NM_001407467.1); c.964-5C>T (NM_001407446.1, NM_001354897.2); c.964-308C>T (NM_001354902.2); and 5 more.
Identifiers: ClinVar variation 2774689 (VCV002774689.6), dbSNP rs1762800317, ClinGen allele CA2697546399.